The following is an entry in ClinVar:

ClinVar aggregate classification (germline): Uncertain significance (1 of 4 stars; one submission).

Conditions:
Ullrich congenital muscular dystrophy 2 (UCMD2). Identifiers: Orphanet 75840, MedGen C4225314, MONDO:0014654, OMIM 616470.
Bethlem myopathy 2 (BTHLM2). Identifiers: Orphanet 536516, Orphanet 610, MedGen C4225313, MONDO:0034022, OMIM 616471.

Submission:

Labcorp Genetics (formerly Invitae), Labcorp
Classification: Uncertain significance for Bethlem myopathy 2; Ullrich congenital muscular dystrophy 2. Last evaluated: 2023-12-07. Review status: criteria provided, single submitter. Criteria: Invitae Variant Classification Sherloc (09022015). Collection method: clinical testing. Allele origin: germline.
Comment: This sequence change replaces arginine, which is basic and polar, with threonine, which is neutral and polar, at codon 238 of the COL12A1 protein (p.Arg238Thr). This variant is not present in population databases (gnomAD no frequency). This variant has not been reported in the literature in individuals affected with COL12A1-related conditions. ClinVar contains an entry for this variant (Variation ID: 542490). Advanced modeling of protein sequence and biophysical properties (such as structural, functional, and spatial information, amino acid conservation, physicochemical variation, residue mobility, and thermodynamic stability) has been performed at Invitae for this missense variant, however the output from this modeling did not meet the statistical confidence thresholds required to predict the impact of this variant on COL12A1 protein function. In summary, the available evidence is currently insufficient to determine the role of this variant in disease. Therefore, it has been classified as a Variant of Uncertain Significance.

NM_004370.6(COL12A1):c.713G>C (p.Arg238Thr)

Gene: COL12A1 (collagen type XII alpha 1 chain; minus strand). Cytogenetic location: 6q13.
Variant type: single nucleotide variant.
Coding change: c.713G>C on transcript NM_004370.6 (MANE Select); coding-DNA position 713, G replaced by C.
Protein change: p.Arg238Thr; replaces arginine 238 with threonine.
Molecular consequence: missense variant. On other transcripts: intron variant (1).
Genome position (GRCh38, 1-based): chr6:75,189,327, C>G on the plus strand (G>C on the coding strand, the complement: COL12A1 is on the minus strand). VCF-style: chr6-75189327-C-G. GRCh37 (hg19) VCF-style: chr6-75899043-C-G.
Other names: c.73+13393G>C (NM_080645.3); short protein forms R238T.
Identifiers: ClinVar variation 542490 (VCV000542490.9), dbSNP rs1554188387, ClinGen allele CA364728070.